The following is an entry in ClinVar:

ClinVar aggregate classification (germline): Uncertain significance. Review status: criteria provided, multiple submitters, no conflicts (2 of 4 stars). 2 submissions from 2 submitters: Uncertain significance (2). Last evaluated 2026-03-03.

Conditions:
Juvenile myelomonocytic leukemia (JMML). Also called: LEUKEMIA, JUVENILE MYELOMONOCYTIC, SOMATIC. Identifiers: Orphanet 86834, MedGen C0349639, MONDO:0011908, OMIM 607785, HP:0012209.
Metachondromatosis (METCDS). Identifiers: Orphanet 2499, MedGen C0410530, MONDO:0007979, OMIM 156250.
Noonan syndrome 1 (NS1). Also called: PTPN11-Related Noonan Syndrome; FEMALE PSEUDO-TURNER SYNDROME; TURNER PHENOTYPE WITH NORMAL KARYOTYPE. Identifiers: Orphanet 648, MedGen C4551602, MONDO:0008104, OMIM 163950. Disease mechanism: gain of function.
LEOPARD syndrome 1 (LPRD1). Also called: LENTIGINOSIS, CARDIOMYOPATHIC; MULTIPLE LENTIGINES SYNDROME; PTPN11-Related LEOPARD Syndrome. Identifiers: Orphanet 500, MedGen C4551484, MONDO:0100082, OMIM 151100.
Cardiovascular phenotype. Identifiers: MedGen CN230736.

gnomAD v4.1: 3 of 1,613,940 alleles (0.00019%); highest among the groups gnomAD compares: Admixed American, 0.005%; no homozygotes.

Submissions (2):

Ambry Genetics
Classification: Uncertain significance for Cardiovascular phenotype. Last evaluated: 2026-03-03. Review status: criteria provided, single submitter. Criteria: Ambry Variant Classification Scheme 2023. Collection method: clinical testing. Allele origin: germline.
Comment: The p.E195D variant (also known as c.585A>C), located in coding exon 5 of the PTPN11 gene, results from an A to C substitution at nucleotide position 585. The glutamic acid at codon 195 is replaced by aspartic acid, an amino acid with highly similar properties. This amino acid position is conserved. In addition, the in silico prediction for this alteration is inconclusive. Based on the available evidence, the clinical significance of this variant remains unclear.

Fulgent Genetics
Classification: Uncertain significance for LEOPARD syndrome 1; Metachondromatosis; Noonan syndrome 1; Juvenile myelomonocytic leukemia. Last evaluated: 2024-01-20. Review status: criteria provided, single submitter. Criteria: ACMG Guidelines, 2015. Collection method: clinical testing. Allele origin: germline.

NM_002834.5(PTPN11):c.585A>C (p.Glu195Asp)

Gene: PTPN11 (protein tyrosine phosphatase non-receptor type 11; plus strand). Cytogenetic location: 12q24.13.
Variant type: single nucleotide variant.
Coding change: c.585A>C on transcript NM_002834.5 (MANE Select); coding-DNA position 585, A replaced by C.
Protein change: p.Glu195Asp; replaces glutamic acid 195 with aspartic acid.
Molecular consequence: missense variant.
Genome position (GRCh38, 1-based): chr12:112,454,623, A>C. VCF-style: chr12-112454623-A-C. GRCh37 (hg19) VCF-style: chr12-112892427-A-C.
Other names: c.585A>C, p.Glu195Asp (NM_001330437.2, NM_080601.3); c.582A>C, p.Glu194Asp (NM_001374625.1); short protein forms E195D, E194D.
Identifiers: ClinVar variation 3574263 (VCV003574263.2).
Genomic context (GRCh38, chr12:112,454,623, plus strand): 5'-GGAACTGAAATACGACGTTGGTGGAGGAGAACGGTTTGATTCTTTGACAGATCTTGTGGA[A>C]CATTATAAGAAGAATCCTATGGTGGAAACATTGGGTACAGTACTACAACTCAAGCAGGTG-3'
Protein context (NP_002825.3, residues 185-205): ERFDSLTDLV[Glu195Asp]HYKKNPMVET